The following is an entry in ClinVar:

ClinVar aggregate classification (germline): Uncertain significance. Review status: criteria provided, multiple submitters, no conflicts (2 of 4 stars). 2 submissions from 2 submitters: Uncertain significance (2). Last evaluated 2025-09-11.

Conditions:
Early-infantile DEE. Also called: Ohtahara syndrome; Early infantile epileptic encephalopathy with suppression bursts; Early infantile epileptic encephalopathy. Identifiers: Orphanet 1934, MedGen C0393706, MONDO:0800491.

Allele frequency attached by ClinVar (database versions not stated): gnomAD exomes below 0.00001.
gnomAD v4.1: 1 of 1,613,992 alleles (0.000062%); highest among the groups gnomAD compares: Non-Finnish European, 0.000085%; no homozygotes.

Submissions (2):

GeneDx
Classification: Uncertain significance. Last evaluated: 2025-09-11. Review status: criteria provided, single submitter. Criteria: GeneDx Variant Classification Process June 2021. Collection method: clinical testing. Allele origin: germline. Affected: yes.
Comment: Not observed at significant frequency in large population cohorts (gnomAD); In silico analysis supports that this missense variant has a deleterious effect on protein structure/function; Has not been previously published as pathogenic or benign to our knowledge; This substitution is predicted to be within the transmembrane segment S6 of the first homologous domain

Labcorp Genetics (formerly Invitae), Labcorp
Classification: Uncertain significance for Early-infantile DEE. Last evaluated: 2022-11-28. Review status: criteria provided, single submitter. Criteria: Invitae Variant Classification Sherloc (09022015). Collection method: clinical testing. Allele origin: germline.
Comment: This sequence change replaces isoleucine, which is neutral and non-polar, with threonine, which is neutral and polar, at codon 418 of the SCN1A protein (p.Ile418Thr). In summary, the available evidence is currently insufficient to determine the role of this variant in disease. Therefore, it has been classified as a Variant of Uncertain Significance. Advanced modeling of protein sequence and biophysical properties (such as structural, functional, and spatial information, amino acid conservation, physicochemical variation, residue mobility, and thermodynamic stability) performed at Invitae indicates that this missense variant is expected to disrupt SCN1A protein function. ClinVar contains an entry for this variant (Variation ID: 965767). This missense change has been observed in at least one individual who was not affected with SCN1A-related conditions (Invitae). This variant has not been reported in the literature in individuals affected with SCN1A-related conditions. This variant is not present in population databases (gnomAD no frequency).

NM_001165963.4(SCN1A):c.1253T>C (p.Ile418Thr)

Gene: SCN1A (sodium voltage-gated channel alpha subunit 1; minus strand). Cytogenetic location: 2q24.3.
Variant type: single nucleotide variant.
Coding change: c.1253T>C on transcript NM_001165963.4 (MANE Select); coding-DNA position 1253, T replaced by C.
Protein change: p.Ile418Thr; replaces isoleucine 418 with threonine.
Molecular consequence: missense variant. On other transcripts: 5 prime UTR variant (1), non-coding transcript variant (1).
Genome position (GRCh38, 1-based): chr2:166,046,894, A>G on the plus strand (T>C on the coding strand, the complement: SCN1A is on the minus strand). VCF-style: chr2-166046894-A-G. GRCh37 (hg19) VCF-style: chr2-166903404-A-G.
Other names: c.1253T>C, p.Ile418Thr (NM_001165964.3, NM_001202435.3, NM_001353948.2 and 10 more transcripts); c.-1173T>C (NM_001353961.2); short protein forms I418T.
Identifiers: ClinVar variation 965767 (VCV000965767.15), dbSNP rs1697902111, ClinGen allele CA349070876.
Genomic context (GRCh38, chr2:166,046,894, plus strand): 5'-TCTGCTTCTTCCAAGGTGGCCTGATTCTGTTCCTCGTAGGCCATGGCCACCACAGCCAGG[A>G]TCAAATTTATTAGGTAGAATGAGCCCAAGAAAATGACCAATACAAAAAATATCATGTACG-3'
Protein context (NP_001159435.1, residues 408-428): FLGSFYLINL[Ile418Thr]LAVVAMAYEE